The following is an entry in ClinVar:

ClinVar aggregate classification (germline): Benign/Likely benign. Review status: criteria provided, multiple submitters, no conflicts (2 of 4 stars). 2 submissions from 2 submitters: Benign (1); Likely benign (1). Last evaluated 2026-01-19.

Allele frequency attached by ClinVar (database versions not stated): gnomAD exomes 0.00012 and 0.00037; gnomAD 0.00015 and 0.00018; TOPMed 0.00026; ExAC 0.00042.

Submissions (2):

Labcorp Genetics (formerly Invitae), Labcorp
Classification: Benign. Last evaluated: 2026-01-19. Review status: criteria provided, single submitter. Criteria: Invitae Variant Classification Sherloc (09022015). Collection method: clinical testing. Allele origin: germline.

CeGaT Center for Human Genetics Tuebingen
Classification: Likely benign. Last evaluated: 2024-07-01. Review status: criteria provided, single submitter. Criteria: CeGaT Center For Human Genetics Tuebingen Variant Classification Criteria Version 2. Collection method: clinical testing. Allele origin: germline. Affected: yes. Observed: 1 variant allele.
Comment: NTRK2: BP4, BS1

NM_006180.6(NTRK2):c.213-7del

Genes: NTRK2 (neurotrophic receptor tyrosine kinase 2; plus strand), LOC130001952 (ATAC-STARR-seq lymphoblastoid active region 28508; plus strand). Cytogenetic location: 9q21.33.
Variant type: Deletion.
Coding change: c.213-7del on transcript NM_006180.6 (MANE Select); 7 bases into the intron before coding-DNA position 213, one base deleted (G; older notation c.213-7delG).
Molecular consequence: intron variant.
Genome position (GRCh38, 1-based): chr9:84,702,152, G deleted. VCF-style (leftmost placement, unchanged base first): chr9-84702151-TG-T. GRCh37 (hg19) VCF-style: chr9-87317066-TG-T.
Other names: c.213-7del (NM_001369532.1, NM_001369533.1, NM_001018066.3 and 18 more transcripts); c.-256-7del (NM_001369536.1, NM_001369535.1, NM_001369550.1 and 1 more transcripts).
Identifiers: ClinVar variation 1570700 (VCV001570700.25), dbSNP rs753734875, ClinGen allele CA5105443.